The following is an entry in ClinVar:

NM_002900.3(RBP3):c.3707G>T (p.Arg1236Met)

Gene: RBP3 (retinol binding protein 3; plus strand). Cytogenetic location: 10q11.22.
Variant type: single nucleotide variant.
Coding change: c.3707G>T on transcript NM_002900.3 (MANE Select); coding-DNA position 3707, G replaced by T.
Protein change: p.Arg1236Met; replaces arginine 1236 with methionine.
Molecular consequence: missense variant.
Genome position (GRCh38, 1-based): chr10:47,357,420, G>T. VCF-style: chr10-47357420-G-T. GRCh37 (hg19) VCF-style: chr10-48381942-C-A.
Other names: short protein forms R1236M.
Identifiers: ClinVar variation 1004669 (VCV001004669.8), dbSNP rs3740296, ClinGen allele CA376677968.

ClinVar aggregate classification (germline): Uncertain significance (1 of 4 stars; one submission).

Submission:

Labcorp Genetics (formerly Invitae), Labcorp
Classification: Uncertain significance. Last evaluated: 2020-06-11. Review status: criteria provided, single submitter. Criteria: Invitae Variant Classification Sherloc (09022015). Collection method: clinical testing. Allele origin: germline.
Comment: In summary, the available evidence is currently insufficient to determine the role of this variant in disease. Therefore, it has been classified as a Variant of Uncertain Significance. Algorithms developed to predict the effect of missense changes on protein structure and function are either unavailable or do not agree on the potential impact of this missense change (SIFT: "Tolerated"; PolyPhen-2: "Possibly Damaging"; Align-GVGD: "Class C0"). This variant has not been reported in the literature in individuals with RBP3-related conditions. This variant is not present in population databases (ExAC no frequency). This sequence change replaces arginine with methionine at codon 1236 of the RBP3 protein (p.Arg1236Met). The arginine residue is moderately conserved and there is a moderate physicochemical difference between arginine and methionine.